The following is an entry in ClinVar:

NM_032043.3(BRIP1):c.1073T>C (p.Leu358Pro)

Gene: BRIP1 (BRCA1 interacting DNA helicase 1; minus strand). Cytogenetic location: 17q23.2.
Variant type: single nucleotide variant.
Coding change: c.1073T>C on transcript NM_032043.3 (MANE Select); coding-DNA position 1073, T replaced by C.
Protein change: p.Leu358Pro; replaces leucine 358 with proline.
Molecular consequence: missense variant.
Genome position (GRCh38, 1-based): chr17:61,801,320, A>G on the plus strand (T>C on the coding strand, the complement: BRIP1 is on the minus strand). VCF-style: chr17-61801320-A-G. GRCh37 (hg19) VCF-style: chr17-59878681-A-G.
Other names: short protein forms L358P.
Identifiers: ClinVar variation 2449915 (VCV002449915.3), dbSNP rs2145334838, ClinGen allele CA400483991.
Genomic context (GRCh38, chr17:61,801,320, plus strand): 5'-CTTATTTGTGCATCTAGAAGATAGTTGTAGGGACAAAATATGATGTCAGCATCTTGTATT[A>G]GTTCTCGGGCTGTGTAATATGGACAGGCCTTTAGTTTCTTCCCCAGGCTGACAAGTTCTT-3'
Protein context (NP_114432.2, residues 348-368): KACPYYTARE[Leu358Pro]IQDADIIFCP

ClinVar aggregate classification (germline): Uncertain significance. Review status: criteria provided, multiple submitters, no conflicts (2 of 4 stars). 2 submissions from 2 submitters: Uncertain significance (2). Last evaluated 2025-09-22.

Conditions:
Hereditary cancer-predisposing syndrome. Also called: Hereditary neoplastic syndrome; Tumor predisposition; Neoplastic Syndromes, Hereditary; Hereditary Cancer Syndrome. Identifiers: Orphanet 140162, MedGen C0027672, MeSH D009386, MONDO:0015356.
Familial cancer of breast. Also called: hereditary breast carcinoma; Hereditary breast cancer; BREAST CANCER, FAMILIAL. Identifiers: Orphanet 227535, MedGen C0346153, MONDO:0016419, OMIM 114480. Disease mechanism: loss of function.
Fanconi anemia complementation group J. Also called: BRIP1-Related Fanconi Anemia. Identifiers: Orphanet 84, MedGen C1836860, MONDO:0012187, OMIM 609054.

Submissions (2):

Labcorp Genetics (formerly Invitae), Labcorp
Classification: Uncertain significance for Familial cancer of breast; Fanconi anemia complementation group J. Last evaluated: 2025-09-22. Review status: criteria provided, single submitter. Criteria: Invitae Variant Classification Sherloc (09022015). Collection method: clinical testing. Allele origin: germline.
Comment: This sequence change replaces leucine, which is neutral and non-polar, with proline, which is neutral and non-polar, at codon 358 of the BRIP1 protein (p.Leu358Pro). This variant is not present in population databases (gnomAD no frequency). This variant has not been reported in the literature in individuals affected with BRIP1-related conditions. ClinVar contains an entry for this variant (Variation ID: 2449915). Invitae Evidence Modeling of protein sequence and biophysical properties (such as structural, functional, and spatial information, amino acid conservation, physicochemical variation, residue mobility, and thermodynamic stability) indicates that this missense variant is expected to disrupt BRIP1 protein function with a positive predictive value of 95%. Experimental studies are conflicting or provide insufficient evidence to determine the effect of this variant on BRIP1 function (PMID: 33619228). In summary, the available evidence is currently insufficient to determine the role of this variant in disease. Therefore, it has been classified as a Variant of Uncertain Significance.

Ambry Genetics
Classification: Uncertain significance for Hereditary cancer-predisposing syndrome. Last evaluated: 2022-11-23. Review status: criteria provided, single submitter. Criteria: Ambry Variant Classification Scheme 2023. Collection method: clinical testing. Allele origin: germline.
Comment: The p.L358P variant (also known as c.1073T>C), located in coding exon 7 of the BRIP1 gene, results from a T to C substitution at nucleotide position 1073. The leucine at codon 358 is replaced by proline, an amino acid with similar properties. This amino acid position is highly conserved in available vertebrate species. In addition, this alteration is predicted to be deleterious by in silico analysis. Since supporting evidence is limited at this time, the clinical significance of this alteration remains unclear.

Literature cited by the submitters: PubMed 33619228 (cited by Labcorp Genetics (formerly Invitae), Labcorp).